The following is an entry in ClinVar:

ClinVar aggregate classification (germline): Benign. Review status: criteria provided, multiple submitters, no conflicts (2 of 4 stars). 4 submissions from 4 submitters: Benign (3). 1 of the submissions does not count toward it. Last evaluated 2026-01-16.

Conditions:
CASK-related disorder. Also called: CASK-related disorders; CASK-related condition.
Intellectual disability, CASK-related, X-linked. Identifiers: MedGen CN043158.

Allele frequency attached by ClinVar (database versions not stated): gnomAD 0.00003 and 0.00018; TOPMed 0.00006; gnomAD exomes 0.00076; ExAC 0.00095; 1000 Genomes Project 30x 0.00229; 1000 Genomes Project 0.00238.
gnomAD v4.1: 334 of 1,197,417 alleles (0.028%); highest among the groups gnomAD compares: South Asian, 0.53%; 5 homozygotes.

Submissions (4):

Labcorp Genetics (formerly Invitae), Labcorp
Classification: Benign for Intellectual disability, CASK-related, X-linked. Last evaluated: 2026-01-16. Review status: criteria provided, single submitter. Criteria: Invitae Variant Classification Sherloc (09022015). Collection method: clinical testing. Allele origin: germline.

GeneDx
Classification: Benign. Last evaluated: 2019-10-30. Review status: criteria provided, single submitter. Criteria: GeneDx Variant Classification Process June 2021. Collection method: clinical testing. Allele origin: germline. Affected: yes.

Eurofins Ntd Llc (ga)
Classification: Benign. Last evaluated: 2015-10-14. Review status: criteria provided, single submitter. Criteria: EGL Classification Definitions 2015. Collection method: clinical testing. Allele origin: germline. Observed: 1 variant allele, 1 heterozygote.

PreventionGenetics, part of Exact Sciences
Classification: Likely benign for CASK-related condition. Last evaluated: 2019-02-24. Review status: no assertion criteria provided. Collection method: clinical testing. Allele origin: germline. Not counted in ClinVar's aggregate classification.
Comment: This variant is classified as likely benign based on ACMG/AMP sequence variant interpretation guidelines (Richards et al. 2015 PMID: 25741868, with internal and published modifications).

NM_001367721.1(CASK):c.1669-9C>A

Gene: CASK (calcium/calmodulin dependent serine protein kinase; minus strand). Cytogenetic location: Xp11.4.
Variant type: single nucleotide variant.
Coding change: c.1669-9C>A on transcript NM_001367721.1 (MANE Select); 9 bases into the intron before coding-DNA position 1669, C replaced by A.
Molecular consequence: intron variant.
Genome position (GRCh38, 1-based): chrX:41,559,856, G>T on the plus strand (C>A on the coding strand, the complement: CASK is on the minus strand). VCF-style: chrX-41559856-G-T. GRCh37 (hg19) VCF-style: chrX-41419109-G-T.
Other names: c.1651-9C>A (NM_001126055.3, NM_001410745.1); c.1669-9C>A (NM_001126054.3, NM_003688.4).
Identifiers: ClinVar variation 283848 (VCV000283848.20), dbSNP rs562152407, ClinGen allele CA10390153.